The following is an entry in ClinVar:

ClinVar aggregate classification (germline): Pathogenic/Likely pathogenic. Review status: criteria provided, multiple submitters, no conflicts (2 of 4 stars). 2 submissions from 2 submitters: Pathogenic (1); Likely pathogenic (1). Last evaluated 2022-02-05.

Conditions:
PCDH15-related disorder. Also called: PCDH15-related disorders; PCDH15-related condition.

Submissions (2):

Labcorp Genetics (formerly Invitae), Labcorp
Classification: Pathogenic. Last evaluated: 2022-02-05. Review status: criteria provided, single submitter. Criteria: Invitae Variant Classification Sherloc (09022015). Collection method: clinical testing. Allele origin: germline.
Comment: For these reasons, this variant has been classified as Pathogenic. ClinVar contains an entry for this variant (Variation ID: 941226). This variant has not been reported in the literature in individuals affected with PCDH15-related conditions. This variant is not present in population databases (gnomAD no frequency). This sequence change creates a premature translational stop signal (p.Ile1264Argfs*43) in the PCDH15 gene. It is expected to result in an absent or disrupted protein product. Loss-of-function variants in PCDH15 are known to be pathogenic (PMID: 11398101, 11487575, 14570705).

Blueprint Genetics
Classification: Likely pathogenic for PCDH15-related disorders. Last evaluated: 2019-03-12. Review status: criteria provided, single submitter. Criteria: ACMG Guidelines, 2015. Collection method: clinical testing. Allele origin: germline. Affected: yes. Observed: 2 variant alleles.

Literature cited by the submitters: PubMed 11398101 (cited by Labcorp Genetics (formerly Invitae), Labcorp); PubMed 11487575 (cited by Labcorp Genetics (formerly Invitae), Labcorp); PubMed 14570705 (cited by Labcorp Genetics (formerly Invitae), Labcorp).

NM_001384140.1(PCDH15):c.3791_3792del (p.Ile1264fs)

Gene: PCDH15 (protocadherin related 15; minus strand). Cytogenetic location: 10q21.1.
Variant type: Deletion.
Coding change: c.3791_3792del on transcript NM_001384140.1 (MANE Select); coding-DNA positions 3791 to 3792, 2 bases deleted (TA; older notation c.3791_3792delTA).
Protein change: p.Ile1264fs; shifts the reading frame from isoleucine 1264.
Molecular consequence: frameshift variant.
Genome position (GRCh38, 1-based): chr10:53,857,189-53,857,190, TA deleted on the plus strand (TA on the coding strand, the reverse complement: PCDH15 is on the minus strand); deleting any 2 consecutive bases within chr10:53,857,189-53,857,191 gives the same sequence; the c. name uses the placement nearest the transcript's 3' end. VCF-style (leftmost placement, unchanged base first): chr10-53857188-CTA-C. GRCh37 (hg19) VCF-style: chr10-55616948-CTA-C.
Other names: c.3806_3807del, p.Ile1269fs (NM_001142763.2, NM_001142771.2); c.3791_3792del, p.Ile1264fs (NM_001142764.2, NM_001142766.2, NM_001142770.3 and 4 more transcripts); c.3578_3579del, p.Ile1193fs (NM_001142765.2); c.3680_3681del, p.Ile1227fs (NM_001142767.2); c.3725_3726del, p.Ile1242fs (NM_001142768.2, NM_001142773.2, NM_001354404.2); c.3826_3827delAT, p.Ile1276Argfs (NM_001142769.4); c.3812_3813del, p.Ile1271fs (NM_001354411.2); short protein forms I1227fs, I1242fs, I1271fs, I1276fs, I1193fs, I1264fs, I1269fs.
Identifiers: ClinVar variation 941226 (VCV000941226.8), dbSNP rs2078806601, ClinGen allele CA1139661440.